The following is an entry in ClinVar:

NM_000059.4(BRCA2):c.10013C>A (p.Ser3338Ter)

Gene: BRCA2 (BRCA2 DNA repair associated; plus strand). Cytogenetic location: 13q13.1.
Variant type: single nucleotide variant.
Coding change: c.10013C>A on transcript NM_000059.4 (MANE Select); coding-DNA position 10013, C replaced by A.
Protein change: p.Ser3338Ter; replaces serine 3338 with a stop codon.
Molecular consequence: nonsense.
Genome position (GRCh38, 1-based): chr13:32,398,526, C>A. VCF-style: chr13-32398526-C-A. GRCh37 (hg19) VCF-style: chr13-32972663-C-A.
Other names: short protein forms S3338*.
Identifiers: ClinVar variation 1131690 (VCV001131690.12), dbSNP rs1593202166, ClinGen allele CA387767714.

ClinVar aggregate classification (germline): Conflicting classifications of pathogenicity. Review status: criteria provided, conflicting classifications (1 of 4 stars). 4 submissions from 4 submitters: Uncertain significance (1); Likely benign (3). Last evaluated 2025-04-27.

Conditions:
Hereditary breast ovarian cancer syndrome. Also called: BRCA1- and BRCA2-Associated Hereditary Breast and Ovarian Cancer; Hereditary breast and/or ovarian cancer syndrome; Hereditary breast and ovarian cancer; Hereditary breast and ovarian cancer syndrome; Breast and ovarian cancer; Hereditary breast and ovarian cancer syndrome (HBOC). Identifiers: Orphanet 145, MedGen C0677776, MeSH D061325, MONDO:0003582. Disease mechanism: loss of function.
Familial cancer of breast. Also called: hereditary breast carcinoma; Hereditary breast cancer; BREAST CANCER, FAMILIAL. Identifiers: Orphanet 227535, MedGen C0346153, MONDO:0016419, OMIM 114480. Disease mechanism: loss of function.
Hereditary cancer-predisposing syndrome. Also called: Neoplastic Syndromes, Hereditary; Hereditary Cancer Syndrome; Tumor predisposition; Hereditary neoplastic syndrome. Identifiers: Orphanet 140162, MedGen C0027672, MeSH D009386, MONDO:0015356.

Submissions (4):

Labcorp Genetics (formerly Invitae), Labcorp
Classification: Likely benign for Hereditary breast ovarian cancer syndrome. Last evaluated: 2025-04-27. Review status: criteria provided, single submitter. Criteria: Invitae Variant Classification Sherloc (09022015). Collection method: clinical testing. Allele origin: germline.

Ambry Genetics
Classification: Likely benign for Hereditary cancer-predisposing syndrome. Last evaluated: 2023-10-25. Review status: criteria provided, single submitter. Criteria: Ambry Variant Classification Scheme 2023. Collection method: clinical testing. Allele origin: germline.

GeneDx
Classification: Uncertain significance. Last evaluated: 2023-03-10. Review status: criteria provided, single submitter. Criteria: GeneDx Variant Classification Process June 2021. Collection method: clinical testing. Allele origin: germline. Affected: yes.
Comment: Not observed at significant frequency in large population cohorts (gnomAD); Nonsense variant predicted to result in protein truncation as the last 81 amino acids are lost; Located in a region that tolerates variation and lacks pathogenic variants; Has not been previously published as pathogenic or benign to our knowledge; Also known as 10241C>A

Genetics and Molecular Pathology, SA Pathology
Classification: Likely benign for Familial cancer of breast. Last evaluated: 2020-05-25. Review status: criteria provided, single submitter. Criteria: ACMG Guidelines, 2015. Collection method: clinical testing. Allele origin: germline. Affected: yes.
Comment: The BRCA2 c.10013C>A variant is classified as Likely Benign (BS2, BP6) Rebbeck 2016 excluded PTC variants after codon 3010 and did not define as pathogenic; ENIGMA criteria (2017) - variants downstream of position 3326 "unlikely clinically relevant". Case-control and frequency data indicate that BRCA2 c.9976A>T (p.Lys3326Ter) does not confer a high risk of cancer (OR 1.3-1.5, dependent on breast or ovarian cancer subtype (Meeks et al., 2016; J Natl Cancer Inst 108), demonstrating that residues at and downstream of 3327 are likely dispensable.